The following is an entry in ClinVar:

ClinVar aggregate classification (germline): Likely benign. Review status: criteria provided, multiple submitters, no conflicts (2 of 4 stars). 3 submissions from 3 submitters: Likely benign (3). Last evaluated 2026-06-07.

Conditions:
Familial thoracic aortic aneurysm and aortic dissection (TAAD). Also called: Thoracic aortic aneurysms and dissections. Identifiers: Orphanet 91387, MedGen C4707243, MONDO:0019625.
NOTCH1-related disorder. Also called: NOTCH1-related disorders; NOTCH1-related condition.
Adams-Oliver syndrome 5 (AOS5). Identifiers: Orphanet 974, MedGen C4014970, MONDO:0014459, OMIM 616028.

Allele frequency attached by ClinVar (database versions not stated): TOPMed 0.00001.
gnomAD v4.1: 13 of 1,602,846 alleles (0.00081%); highest among the groups gnomAD compares: African/African-American, 0.0013%; no homozygotes.

Submissions (3):

PreventionGenetics, part of Exact Sciences
Classification: Likely benign for NOTCH1-related condition. Last evaluated: 2026-06-07. Review status: criteria provided, single submitter. Criteria: ACMG Guidelines, 2015. Collection method: clinical testing. Allele origin: germline.
Comment: This variant is classified as likely benign based on ACMG/AMP sequence variant interpretation guidelines (Richards et al. 2015 PMID: 25741868, with internal and published modifications).

Labcorp Genetics (formerly Invitae), Labcorp
Classification: Likely benign for Adams-Oliver syndrome 5. Last evaluated: 2024-10-11. Review status: criteria provided, single submitter. Criteria: Invitae Variant Classification Sherloc (09022015). Collection method: clinical testing. Allele origin: germline.

Ambry Genetics
Classification: Likely benign for Familial thoracic aortic aneurysm and aortic dissection. Last evaluated: 2018-07-25. Review status: criteria provided, single submitter. Criteria: Ambry Variant Classification Scheme 2023. Collection method: clinical testing. Allele origin: germline.

NM_017617.5(NOTCH1):c.7230G>A (p.Pro2410=)

Gene: NOTCH1 (notch receptor 1; minus strand). Cytogenetic location: 9q34.3.
Variant type: single nucleotide variant.
Coding change: c.7230G>A on transcript NM_017617.5 (MANE Select); coding-DNA position 7230, G replaced by A.
Protein change: p.Pro2410=; no amino-acid change (proline 2410 retained).
Molecular consequence: synonymous variant.
Genome position (GRCh38, 1-based): chr9:136,496,509, C>T on the plus strand (G>A on the coding strand, the complement: NOTCH1 is on the minus strand). VCF-style: chr9-136496509-C-T. GRCh37 (hg19) VCF-style: chr9-139390961-C-T.
Other names: c.7230G>A (NM_017617.4).
Identifiers: ClinVar variation 1151580 (VCV001151580.12), dbSNP rs199839390, ClinGen allele CA467831720.
Genomic context (GRCh38, chr9:136,496,509, plus strand): 5'-GCCCAGGTGGCCGCTGGCTGCTGAGCTCACGCCAAGGTGCGGCTGTGGTGGTGGTGGTGG[C>T]GGCTGCAGGCTTTGCTGCTGCTGGATGTTTGCTGGCTGCAGGTTCTGCTGCTGCATCTGT-3'
Protein context (NP_060087.3, residues 2400-2420): ANIQQQQSLQ[Pro2410=]PPPPPQPHLG